The following is an entry in ClinVar:

ClinVar aggregate classification (germline): Pathogenic. Review status: reviewed by expert panel (3 of 4 stars). 6 submissions from 6 submitters: Pathogenic (1). 5 of the submissions do not count toward it. Last evaluated 2016-09-08.

Conditions:
BRCA2-related disorder. Also called: BRCA2-related condition; BRCA2-related disorders. Identifiers: MedGen CN239275.
Hereditary breast ovarian cancer syndrome. Also called: Hereditary breast and ovarian cancer syndrome (HBOC); Breast and ovarian cancer; Hereditary breast and/or ovarian cancer syndrome; Hereditary breast and ovarian cancer; Hereditary breast and ovarian cancer syndrome; BRCA1- and BRCA2-Associated Hereditary Breast and Ovarian Cancer. Identifiers: Orphanet 145, MedGen C0677776, MeSH D061325, MONDO:0003582. Disease mechanism: loss of function.
Breast-ovarian cancer, familial, susceptibility to, 2 (BROVCA2). Also called: BRCA2 Hereditary Breast and Ovarian Cancer. Identifiers: Orphanet 145, MedGen C2675520, MONDO:0012933, OMIM 612555. Disease mechanism: loss of function.

Submissions (6):

Evidence-based Network for the Interpretation of Germline Mutant Alleles (ENIGMA)
Classification: Pathogenic for Breast-ovarian cancer, familial, susceptibility to, 2. Last evaluated: 2016-09-08. Review status: reviewed by expert panel. Criteria: ENIGMA BRCA1/2 Classification Criteria (2015). Collection method: curation. Allele origin: germline.
Comment: Variant allele predicted to encode a truncated non-functional protein.

Labcorp Genetics (formerly Invitae), Labcorp
Classification: Pathogenic for Hereditary breast ovarian cancer syndrome. Last evaluated: 2024-02-25. Review status: criteria provided, single submitter. Criteria: Invitae Variant Classification Sherloc (09022015). Collection method: clinical testing. Allele origin: germline. Not counted in ClinVar's aggregate classification.
Comment: This sequence change creates a premature translational stop signal (p.Tyr352*) in the BRCA2 gene. It is expected to result in an absent or disrupted protein product. Loss-of-function variants in BRCA2 are known to be pathogenic (PMID: 20104584). This variant is not present in population databases (gnomAD no frequency). This premature translational stop signal has been observed in individual(s) with BRCA2-related cancers (PMID: 34933735, 35418818). ClinVar contains an entry for this variant (Variation ID: 254486). For these reasons, this variant has been classified as Pathogenic.

Blueprint Genetics
Classification: Pathogenic for BRCA2-related disorders. Last evaluated: 2023-06-30. Review status: criteria provided, single submitter. Criteria: ACMG Guidelines, 2015. Collection method: clinical testing. Allele origin: germline. Affected: yes. Observed: 1 variant allele. Not counted in ClinVar's aggregate classification.

Consortium of Investigators of Modifiers of BRCA1/2 (CIMBA), c/o University of Cambridge
Classification: Pathogenic for Breast-ovarian cancer, familial, susceptibility to, 2. Last evaluated: 2015-10-02. Review status: criteria provided, single submitter. Criteria: CIMBA Mutation Classification guidelines May 2016. Collection method: clinical testing. Allele origin: germline. Not counted in ClinVar's aggregate classification.

GeneDx
Classification: Pathogenic. Last evaluated: 2015-05-18. Review status: criteria provided, single submitter. Criteria: GeneDx Variant Classification (06012015). Collection method: clinical testing. Allele origin: germline. Affected: yes. Not counted in ClinVar's aggregate classification.
Comment: This duplication of one nucleotide is denoted BRCA2 c.1055dupA at the cDNA level and p.Tyr352Ter (Y352X) at the protein level. The normal sequence, with the base that is duplicated in braces, is AAAT[A]CTCA. The duplication creates a nonsense variant, which changes a Tyrosine to a premature stop codon. Although This variant, also known as c.1054_1055insA, 1283insA, and 1283dupA using alternate nomenclature, has not been previously reported to our knowledge, it is predicted to cause loss of normal protein function through either protein truncation or nonsense-mediated mRNA decay and is considered pathogenic.

BRCAlab, Lund University
Classification: Pathogenic for Breast-ovarian cancer, familial, susceptibility to, 2. Last evaluated: 2020-03-02. Review status: no assertion criteria provided. Collection method: clinical testing. Allele origin: germline. Affected: yes. Not counted in ClinVar's aggregate classification.

Literature cited by the submitters: PubMed 20104584 (cited by Labcorp Genetics (formerly Invitae), Labcorp); PubMed 34933735 (cited by Labcorp Genetics (formerly Invitae), Labcorp); PubMed 35418818 (cited by Labcorp Genetics (formerly Invitae), Labcorp).

NM_000059.4(BRCA2):c.1055dup (p.Tyr352Ter)

Gene: BRCA2 (BRCA2 DNA repair associated; plus strand). Cytogenetic location: 13q13.1.
Variant type: Duplication.
Coding change: c.1055dup on transcript NM_000059.4 (MANE Select); coding-DNA position 1055, one base duplicated (A; older notation c.1055dupA).
Protein change: p.Tyr352Ter; replaces tyrosine 352 with a stop codon.
Molecular consequence: nonsense.
Genome position (GRCh38, 1-based): chr13:32,332,533, A duplicated. VCF-style (leftmost placement, unchanged base first): chr13-32332532-T-TA. GRCh37 (hg19) VCF-style: chr13-32906669-T-TA.
Other names: c.1055dupA (NM_000059.3); short protein forms Y352*.
Identifiers: ClinVar variation 254486 (VCV000254486.8), dbSNP rs886038060, ClinGen allele CA10586489.